The following is an entry in ClinVar:

ClinVar aggregate classification (germline): Pathogenic/Likely pathogenic. Review status: criteria provided, multiple submitters, no conflicts (2 of 4 stars). 3 submissions from 3 submitters: Pathogenic (1); Likely pathogenic (1). 1 of the submissions does not count toward it. Last evaluated 2022-03-15.

Conditions:
Microcephaly-capillary malformation syndrome (MICCAP). Identifiers: Orphanet 294016, MedGen C3280296, MONDO:0013659, OMIM 614261.

Allele frequency attached by ClinVar (database versions not stated): ExAC 0.00001; gnomAD exomes 0.00001; gnomAD 0.00002; TOPMed 0.00004.
gnomAD v4.1: 21 of 1,611,764 alleles (0.0013%); highest among the groups gnomAD compares: African/African-American, 0.004%; no homozygotes.

Submissions (3):

Labcorp Genetics (formerly Invitae), Labcorp
Classification: Likely pathogenic. Last evaluated: 2022-03-15. Review status: criteria provided, single submitter. Criteria: Invitae Variant Classification Sherloc (09022015). Collection method: clinical testing. Allele origin: germline.
Comment: This sequence change creates a premature translational stop signal (p.Arg424*) in the STAMBP gene. While this is not anticipated to result in nonsense mediated decay, it is expected to disrupt the last 1 amino acid(s) of the STAMBP protein. The frequency data for this variant in the population databases is considered unreliable, as metrics indicate poor data quality at this position in the gnomAD database. This premature translational stop signal has been observed in individuals with microcephaly-capillary malformation syndrome (PMID: 23542699). ClinVar contains an entry for this variant (Variation ID: 50795). Algorithms developed to predict the effect of sequence changes on RNA splicing suggest that this variant may disrupt the consensus splice site. In summary, the currently available evidence indicates that the variant is pathogenic, but additional data are needed to prove that conclusively. Therefore, this variant has been classified as Likely Pathogenic.

Eurofins Ntd Llc (ga)
Classification: Pathogenic. Last evaluated: 2018-09-13. Review status: criteria provided, single submitter. Criteria: EGL ClinVar v180209 classification definitions. Collection method: clinical testing. Allele origin: germline. Observed: 2 variant alleles, 2 heterozygotes.

OMIM
Classification: Pathogenic for MICROCEPHALY-CAPILLARY MALFORMATION SYNDROME. Last evaluated: 2013-05-01. Review status: no assertion criteria provided. Collection method: literature only. Allele origin: germline. Not counted in ClinVar's aggregate classification.

Literature cited by the submitters: PubMed 23542699 (cited by Labcorp Genetics (formerly Invitae), Labcorp and OMIM); PubMed 21271646 (cited by OMIM).

NM_213622.4(STAMBP):c.1270C>T (p.Arg424Ter)

Gene: STAMBP (STAM binding protein; plus strand). Cytogenetic location: 2p13.1.
Variant type: single nucleotide variant.
Coding change: c.1270C>T on transcript NM_213622.4 (MANE Select); coding-DNA position 1270, C replaced by T.
Protein change: p.Arg424Ter; replaces arginine 424 with a stop codon.
Molecular consequence: nonsense. On other transcripts: 3 prime UTR variant (3), non-coding transcript variant (4).
Genome position (GRCh38, 1-based): chr2:73,862,254, C>T. VCF-style: chr2-73862254-C-T. GRCh37 (hg19) VCF-style: chr2-74089381-C-T.
Other names: c.1270C>T, p.Arg424Ter (NM_001353967.2, NM_001353968.2, NM_006463.6 and 1 more transcripts); c.*93C>T (NM_001353969.2, NM_001353970.2, NM_001353976.2); c.865C>T, p.Arg289Ter (NM_001353971.2, NM_001353972.2, NM_001353973.2 and 2 more transcripts); short protein forms R424*, R289*.
Identifiers: ClinVar variation 50795 (VCV000050795.6), dbSNP rs397509390, ClinGen allele CA263230.
Genomic context (GRCh38, chr2:73,862,254, plus strand): 5'-CTATTGCAGAGCTGCAGCCACGTGACTGTTGTGGACAGAGCAGTGACCATCACAGACCTT[C>T]GATGAGCGTTTGAGTCCAACACCTTCCAAGAACAACAAAACCATATCAGTGTACTGTAGC-3'